The following is an entry in ClinVar:

ClinVar aggregate classification (germline): Uncertain significance (1 of 4 stars; one submission).

Conditions:
Inborn genetic diseases. Identifiers: MedGen C0950123, MeSH D030342.

gnomAD v4.1: 1 of 1,612,548 alleles (0.000062%); highest among the groups gnomAD compares: Non-Finnish European, 0.000085%; no homozygotes.

Submission:

Ambry Genetics
Classification: Uncertain significance for Inborn genetic diseases. Last evaluated: 2018-04-09. Review status: criteria provided, single submitter. Criteria: Ambry Variant Classification Scheme 2023. Collection method: clinical testing. Allele origin: germline.
Comment: The p.R601W variant (also known as c.1801C>T), located in coding exon 17 of the DNM1 gene, results from a C to T substitution at nucleotide position 1801. The arginine at codon 601 is replaced by tryptophan, an amino acid with dissimilar properties. This amino acid position is highly conserved in available vertebrate species. In addition, this alteration is predicted to be deleterious by in silico analysis. Since supporting evidence is limited at this time, the clinical significance of this alteration remains unclear.

NM_004408.4(DNM1):c.1801C>T (p.Arg601Trp)

Gene: DNM1 (dynamin 1; plus strand). Cytogenetic location: 9q34.11.
Variant type: single nucleotide variant.
Coding change: c.1801C>T on transcript NM_004408.4 (MANE Select); coding-DNA position 1801, C replaced by T.
Protein change: p.Arg601Trp; replaces arginine 601 with tryptophan.
Molecular consequence: missense variant.
Genome position (GRCh38, 1-based): chr9:128,247,394, C>T. VCF-style: chr9-128247394-C-T. GRCh37 (hg19) VCF-style: chr9-131009673-C-T.
Other names: c.1801C>T, p.Arg601Trp (NM_001005336.3, NM_001288737.2, NM_001288738.2 and 2 more transcripts); short protein forms R601W.
Identifiers: ClinVar variation 1780412 (VCV001780412.2), dbSNP rs1207112230, ClinGen allele CA375027972.